The following is an entry in ClinVar:

NM_015466.4(PTPN23):c.3697C>T (p.Arg1233Cys)

Gene: PTPN23 (protein tyrosine phosphatase non-receptor type 23; plus strand). Cytogenetic location: 3p21.31.
Variant type: single nucleotide variant.
Coding change: c.3697C>T on transcript NM_015466.4 (MANE Select); coding-DNA position 3697, C replaced by T.
Protein change: p.Arg1233Cys; replaces arginine 1233 with cysteine.
Molecular consequence: missense variant.
Genome position (GRCh38, 1-based): chr3:47,411,495, C>T. VCF-style: chr3-47411495-C-T. GRCh37 (hg19) VCF-style: chr3-47452985-C-T.
Other names: c.3319C>T, p.Arg1107Cys (NM_001304482.2); c.3697C>T (NM_015466.2); short protein forms R1233C, R1107C.
Identifiers: ClinVar variation 1955308 (VCV001955308.5), dbSNP rs139071945, ClinGen allele CA73882538.
Genomic context (GRCh38, chr3:47,411,495, plus strand): 5'-ATTGCCCGCTGCTACTCACTGAAGAACCGGCACCAGGATGTCATGCCCTATGACAGTAAC[C>T]GTGTGGTGCTGCGCTCAGGCAAGGATGACTACATCAATGCCAGCTGCGTGGAGGGGCTCT-3'
Protein context (NP_056281.1, residues 1223-1243): HQDVMPYDSN[Arg1233Cys]VVLRSGKDDY

ClinVar aggregate classification (germline): Uncertain significance. Review status: criteria provided, multiple submitters, no conflicts (2 of 4 stars). 2 submissions from 2 submitters: Uncertain significance (2). Last evaluated 2025-06-09.

Conditions:
Inborn genetic diseases. Identifiers: MedGen C0950123, MeSH D030342.

Allele frequency attached by ClinVar (database versions not stated): gnomAD exomes below 0.00001; gnomAD 0.00001; TOPMed 0.00001; ESP Exome Variant Server 0.00008.
gnomAD v4.1: 7 of 1,612,986 alleles (0.00043%); highest among the groups gnomAD compares: African/African-American, 0.0013%; no homozygotes.

Submissions (2):

Ambry Genetics
Classification: Uncertain significance for Inborn genetic diseases. Last evaluated: 2025-06-09. Review status: criteria provided, single submitter. Criteria: Ambry Variant Classification Scheme 2023. Collection method: clinical testing. Allele origin: germline.

Labcorp Genetics (formerly Invitae), Labcorp
Classification: Uncertain significance. Last evaluated: 2022-06-24. Review status: criteria provided, single submitter. Criteria: Invitae Variant Classification Sherloc (09022015). Collection method: clinical testing. Allele origin: germline.
Comment: This sequence change replaces arginine, which is basic and polar, with cysteine, which is neutral and slightly polar, at codon 1233 of the PTPN23 protein (p.Arg1233Cys). This variant is present in population databases (rs139071945, gnomAD 0.02%). This variant has not been reported in the literature in individuals affected with PTPN23-related conditions. Algorithms developed to predict the effect of missense changes on protein structure and function are either unavailable or do not agree on the potential impact of this missense change (SIFT: "Deleterious"; PolyPhen-2: "Probably Damaging"; Align-GVGD: "Class C0"). In summary, the available evidence is currently insufficient to determine the role of this variant in disease. Therefore, it has been classified as a Variant of Uncertain Significance.